The following is an entry in ClinVar:

NM_004839.4(HOMER2):c.55A>G (p.Asn19Asp)

Gene: HOMER2 (homer scaffold protein 2; minus strand). Cytogenetic location: 15q25.2.
Variant type: single nucleotide variant.
Coding change: c.55A>G on transcript NM_004839.4 (MANE Select); coding-DNA position 55, A replaced by G.
Protein change: p.Asn19Asp; replaces asparagine 19 with aspartic acid.
Molecular consequence: missense variant.
Genome position (GRCh38, 1-based): chr15:82,892,792, T>C on the plus strand (A>G on the coding strand, the complement: HOMER2 is on the minus strand). VCF-style: chr15-82892792-T-C. GRCh37 (hg19) VCF-style: chr15-83561544-T-C.
Other names: c.55A>G, p.Asn19Asp (NM_199330.3); c.55A>G (NM_004839.3); short protein forms N19D.
Identifiers: ClinVar variation 2905436 (VCV002905436.5), dbSNP rs2052757729, ClinGen allele CA393415771.

ClinVar aggregate classification (germline): Conflicting classifications of pathogenicity. Review status: criteria provided, conflicting classifications (1 of 4 stars). 3 submissions from 3 submitters: Uncertain significance (2); Likely benign (1). Last evaluated 2026-09-01.

Conditions:
HOMER2-related disorder. Also called: HOMER2-related condition.

Allele frequency attached by ClinVar (database versions not stated): TOPMed below 0.00001; gnomAD exomes 0.00001.

Submissions (3):

PreventionGenetics, part of Exact Sciences
Classification: Uncertain significance for HOMER2-related condition. Last evaluated: 2026-09-01. Review status: criteria provided, single submitter. Criteria: ACMG Guidelines, 2015. Collection method: clinical testing. Allele origin: germline.
Comment: The HOMER2 c.55A>G variant is predicted to result in the amino acid substitution p.Asn19Asp. To our knowledge, this variant has not been reported in the literature or in a large population database (gnomAD), indicating this variant is rare. At this time, the clinical significance of this variant is uncertain due to the absence of conclusive functional and genetic evidence.

Labcorp Genetics (formerly Invitae), Labcorp
Classification: Uncertain significance. Last evaluated: 2024-01-01. Review status: criteria provided, single submitter. Criteria: Invitae Variant Classification Sherloc (09022015). Collection method: clinical testing. Allele origin: germline.
Comment: This sequence change replaces asparagine, which is neutral and polar, with aspartic acid, which is acidic and polar, at codon 19 of the HOMER2 protein (p.Asn19Asp). This variant is not present in population databases (gnomAD no frequency). This variant has not been reported in the literature in individuals affected with HOMER2-related conditions. An algorithm developed to predict the effect of missense changes on protein structure and function (PolyPhen-2) suggests that this variant is likely to be tolerated. In summary, the available evidence is currently insufficient to determine the role of this variant in disease. Therefore, it has been classified as a Variant of Uncertain Significance.

Blueprint Genetics
Classification: Likely benign. Last evaluated: 2020-01-13. Review status: criteria provided, single submitter. Criteria: ACMG Guidelines, 2015. Collection method: clinical testing. Allele origin: germline.